The following is an entry in ClinVar:

NM_001303256.3(MORC2):c.1523T>C (p.Leu508Pro)

Gene: MORC2 (MORC family CW-type zinc finger 2; minus strand). Cytogenetic location: 22q12.2.
Variant type: single nucleotide variant.
Coding change: c.1523T>C on transcript NM_001303256.3 (MANE Select); coding-DNA position 1523, T replaced by C.
Protein change: p.Leu508Pro; replaces leucine 508 with proline.
Molecular consequence: missense variant.
Genome position (GRCh38, 1-based): chr22:30,937,013, A>G on the plus strand (T>C on the coding strand, the complement: MORC2 is on the minus strand). VCF-style: chr22-30937013-A-G. GRCh37 (hg19) VCF-style: chr22-31333000-A-G.
Other names: c.1523T>C, p.Leu508Pro (NM_001303257.2); c.1337T>C, p.Leu446Pro (NM_014941.3); short protein forms L508P, L446P.
Identifiers: ClinVar variation 4527957 (VCV004527957.1).

ClinVar aggregate classification (germline): Uncertain significance (1 of 4 stars; one submission).

Submission:

GeneDx
Classification: Uncertain significance. Last evaluated: 2025-05-09. Review status: criteria provided, single submitter. Criteria: GeneDx Variant Classification Process June 2021. Collection method: clinical testing. Allele origin: germline. Affected: yes.
Comment: Not observed at significant frequency in large population cohorts (gnomAD); In silico analysis supports that this missense variant has a deleterious effect on protein structure/function; Has not been previously published as pathogenic or benign to our knowledge